The following is an entry in ClinVar:

NM_000787.4(DBH):c.275G>A (p.Arg92His)

Gene: DBH (dopamine beta-hydroxylase; plus strand). Cytogenetic location: 9q34.2.
Variant type: single nucleotide variant.
Coding change: c.275G>A on transcript NM_000787.4 (MANE Select); coding-DNA position 275, G replaced by A.
Protein change: p.Arg92His; replaces arginine 92 with histidine.
Molecular consequence: missense variant.
Genome position (GRCh38, 1-based): chr9:133,636,646, G>A. VCF-style: chr9-133636646-G-A. GRCh37 (hg19) VCF-style: chr9-136501768-G-A.
Other names: c.275G>A (NM_000787.3); short protein forms R92H.
Identifiers: ClinVar variation 1012071 (VCV001012071.8), dbSNP rs146922432, ClinGen allele CA5312994.

ClinVar aggregate classification (germline): Uncertain significance. Review status: criteria provided, multiple submitters, no conflicts (2 of 4 stars). 2 submissions from 2 submitters: Uncertain significance (2). Last evaluated 2026-08-04.

Conditions:
Orthostatic hypotension 1 (ORTHYP1). Also called: Dopamine beta-hydroxylase deficiency; Orthostatic hypotension 1, due to DBH deficiency; NORADRENALINE DEFICIENCY; NOREPINEPHRINE DEFICIENCY. Identifiers: Orphanet 230, MedGen C4746777, MONDO:0009123, OMIM 223360.
DBH-related disorder. Also called: DBH-related condition.

Allele frequency attached by ClinVar (database versions not stated): ExAC 0.00016; gnomAD 0.00016; TOPMed 0.00020; ESP Exome Variant Server 0.00054; 1000 Genomes Project 0.00060; 1000 Genomes Project 30x 0.00062.
gnomAD v4.1: 136 of 1,612,448 alleles (0.0084%); highest among the groups gnomAD compares: Middle Eastern, 0.049%; 1 homozygote.

Submissions (2):

PreventionGenetics, part of Exact Sciences
Classification: Uncertain significance for DBH-related condition. Last evaluated: 2026-08-04. Review status: criteria provided, single submitter. Criteria: ACMG Guidelines, 2015. Collection method: clinical testing. Allele origin: germline.
Comment: The DBH c.275G>A variant is predicted to result in the amino acid substitution p.Arg92His. To our knowledge, this variant has not been reported in the literature. This variant is reported in 0.056% of alleles in individuals of African descent in gnomAD, which may be too frequent to be a primary cause of disease. Although we suspect that this variant may be benign, at this time, the clinical significance of this variant is uncertain due to the absence of conclusive functional and genetic evidence.

Labcorp Genetics (formerly Invitae), Labcorp
Classification: Uncertain significance for Orthostatic hypotension 1. Last evaluated: 2025-03-31. Review status: criteria provided, single submitter. Criteria: Invitae Variant Classification Sherloc (09022015). Collection method: clinical testing. Allele origin: germline.
Comment: This sequence change replaces arginine, which is basic and polar, with histidine, which is basic and polar, at codon 92 of the DBH protein (p.Arg92His). This variant is present in population databases (rs146922432, gnomAD 0.05%). This variant has not been reported in the literature in individuals affected with DBH-related conditions. ClinVar contains an entry for this variant (Variation ID: 1012071). Invitae Evidence Modeling of protein sequence and biophysical properties (such as structural, functional, and spatial information, amino acid conservation, physicochemical variation, residue mobility, and thermodynamic stability) indicates that this missense variant is not expected to disrupt DBH protein function with a negative predictive value of 80%. In summary, the available evidence is currently insufficient to determine the role of this variant in disease. Therefore, it has been classified as a Variant of Uncertain Significance.